The following is an entry in ClinVar:

NM_001382.4(DPAGT1):c.488T>C (p.Leu163Pro)

Gene: DPAGT1 (dolichyl-phosphate N-acetylglucosaminephosphotransferase 1; minus strand). Cytogenetic location: 11q23.3.
Variant type: single nucleotide variant.
Coding change: c.488T>C on transcript NM_001382.4 (MANE Select); coding-DNA position 488, T replaced by C.
Protein change: p.Leu163Pro; replaces leucine 163 with proline.
Molecular consequence: missense variant.
Genome position (GRCh38, 1-based): chr11:119,100,638, A>G on the plus strand (T>C on the coding strand, the complement: DPAGT1 is on the minus strand). VCF-style: chr11-119100638-A-G. GRCh37 (hg19) VCF-style: chr11-118971348-A-G.
Other names: short protein forms L163P.
Identifiers: ClinVar variation 996693 (VCV000996693.7), dbSNP rs772211450, ClinGen allele CA6314626.

ClinVar aggregate classification (germline): Uncertain significance. Review status: criteria provided, single submitter (1 of 4 stars). 2 submissions from 2 submitters: Uncertain significance (1). 1 of the submissions does not count toward it. Last evaluated 2024-02-24.

Conditions:
Congenital myasthenic syndrome 13 (CMS13). Also called: Myasthenic syndrome, congenital, 13, with tubular aggregates; Myasthenic syndrome, congenital, with tubular aggregates 2. Identifiers: Orphanet 353327, Orphanet 590, MedGen C3553645, MONDO:0013883, OMIM 614750.
DPAGT1-congenital disorder of glycosylation. Also called: DPAGT1-CDG; CONGENITAL DISORDER OF GLYCOSYLATION, TYPE Ij; CDG Ij. Identifiers: Orphanet 86309, MedGen C2931004, MONDO:0011964, OMIM 608093.
Congenital disorder of glycosylation (CDG). Also called: Congenital disorders of glycosylation; Carbohydrate-deficient glycoprotein syndrome. Identifiers: Orphanet 137, MedGen C0282577, MONDO:0015286.

Allele frequency attached by ClinVar (database versions not stated): gnomAD exomes 0.00001 and 0.00002; TOPMed 0.00001; ExAC 0.00002.

Submissions (2):

Labcorp Genetics (formerly Invitae), Labcorp
Classification: Uncertain significance for Congenital myasthenic syndrome 13; DPAGT1-congenital disorder of glycosylation. Last evaluated: 2024-02-24. Review status: criteria provided, single submitter. Criteria: Invitae Variant Classification Sherloc (09022015). Collection method: clinical testing. Allele origin: germline.
Comment: This sequence change replaces leucine, which is neutral and non-polar, with proline, which is neutral and non-polar, at codon 163 of the DPAGT1 protein (p.Leu163Pro). This variant is present in population databases (rs772211450, gnomAD 0.004%). This missense change has been observed in individual(s) with DPAGT1-congenital disorder of glycosylation (PMID: 30117111). ClinVar contains an entry for this variant (Variation ID: 996693). Advanced modeling of protein sequence and biophysical properties (such as structural, functional, and spatial information, amino acid conservation, physicochemical variation, residue mobility, and thermodynamic stability) performed at Invitae indicates that this missense variant is expected to disrupt DPAGT1 protein function with a positive predictive value of 80%. In summary, the available evidence is currently insufficient to determine the role of this variant in disease. Therefore, it has been classified as a Variant of Uncertain Significance.

University of Washington Center for Mendelian Genomics, University of Washington
Classification: Likely pathogenic for congenital disorder of glycosylation. Review status: no assertion criteria provided. Collection method: research. Allele origin: inherited. Affected: yes. Not counted in ClinVar's aggregate classification.

Literature cited by the submitters: PubMed 30117111 (cited by Labcorp Genetics (formerly Invitae), Labcorp and University of Washington Center for Mendelian Genomics, University of Washington).